The following is an entry in ClinVar:

ClinVar aggregate classification (germline): Pathogenic/Likely pathogenic. Review status: criteria provided, multiple submitters, no conflicts (2 of 4 stars). 6 submissions from 6 submitters: Pathogenic (5); Likely pathogenic (1). Last evaluated 2025-09-16.

Conditions:
Autosomal dominant non-syndromic intellectual disability. Identifiers: Orphanet 178469, MedGen C5680502, MONDO:0015802.
Complex neurodevelopmental disorder. Identifiers: Orphanet 528084, MedGen C5568766, MONDO:0100038.
Intellectual developmental disorder, autosomal dominant 6, with or without seizures. Also called: Intellectual disability, autosomal dominant 6; GRIN2B-related developmental delay, intellectual disability and autism spectrum disorder. Identifiers: Orphanet 589547, MedGen C3151411, MONDO:0013509, OMIM 613970.

Submissions (6):

Genetics Department, Catlab
Classification: Likely pathogenic for Intellectual developmental disorder, autosomal dominant 6, with or without seizures. Last evaluated: 2025-09-16. Review status: criteria provided, single submitter. Criteria: ACMG Guidelines, 2015. Collection method: clinical testing. Allele origin: germline. Affected: yes. Observed: 1 variant allele.
Comment: The c.1177C>T variant is a loss of function variant predicted to undergo nonsense mediated decay and loss of function variants have been described as a causing mechanism for the gene (PVS1_verystrong). The variant is absent from the gnomAD v4.1 (PM2_moderate). With all the available evidence, the variant is classified as likely pathogenic.

GeneDx
Classification: Pathogenic. Last evaluated: 2025-08-15. Review status: criteria provided, single submitter. Criteria: GeneDx Variant Classification Process June 2021. Collection method: clinical testing. Allele origin: germline. Affected: yes.
Comment: Nonsense variant predicted to result in protein truncation or nonsense mediated decay in a gene for which loss of function is a known mechanism of disease; Not observed at significant frequency in large population cohorts (gnomAD); Has not been previously published as pathogenic or benign to our knowledge

CeGaT Center for Human Genetics Tuebingen
Classification: Pathogenic. Last evaluated: 2025-01-01. Review status: criteria provided, single submitter. Criteria: CeGaT Center For Human Genetics Tuebingen Variant Classification Criteria Version 2. Collection method: clinical testing. Allele origin: germline. Affected: yes. Observed: 2 variant alleles.
Comment: GRIN2B: PVS1, PM2, PM6:Supporting, PS4:Supporting

Institute of Human Genetics Munich, TUM University Hospital
Classification: Pathogenic for Intellectual developmental disorder, autosomal dominant 6, with or without seizures. Last evaluated: 2024-05-02. Review status: criteria provided, single submitter. Criteria: Classification criteria August 2017. Collection method: clinical testing. Allele origin: de novo. Inheritance: Autosomal dominant inheritance. Affected: yes. Observed: 1 variant allele.

Genetics Laboratory, UDIAT-Centre Diagnòstic, Hospital Universitari Parc Tauli
Classification: Pathogenic for Autosomal dominant non-syndromic intellectual disability. Last evaluated: 2022-10-04. Review status: criteria provided, single submitter. Criteria: Parc Tauli Hospital Assertion Criteria 2021. Collection method: clinical testing. Allele origin: unknown. Inheritance: Autosomal dominant inheritance. Affected: yes.
Comment: PVS1;PS4;PM2_supporting

AiLife Diagnostics
Classification: Pathogenic. Last evaluated: 2020-06-04. Review status: criteria provided, single submitter. Criteria: ACMG Guidelines, 2015. Collection method: clinical testing. Allele origin: de novo. Affected: yes. Observed: 1 variant allele.

NM_000834.5(GRIN2B):c.1177C>T (p.Arg393Ter)

Gene: GRIN2B (glutamate ionotropic receptor NMDA type subunit 2B; minus strand). Cytogenetic location: 12p13.1.
Variant type: single nucleotide variant.
Coding change: c.1177C>T on transcript NM_000834.5 (MANE Select); coding-DNA position 1177, C replaced by T.
Protein change: p.Arg393Ter; replaces arginine 393 with a stop codon.
Molecular consequence: nonsense.
Genome position (GRCh38, 1-based): chr12:13,616,606, G>A on the plus strand (C>T on the coding strand, the complement: GRIN2B is on the minus strand). VCF-style: chr12-13616606-G-A. GRCh37 (hg19) VCF-style: chr12-13769540-G-A.
Other names: short protein forms R393*.
Identifiers: ClinVar variation 984851 (VCV000984851.47), dbSNP rs1555112396, ClinGen allele CA384052784.